The following is an entry in ClinVar:

ClinVar aggregate classification (germline): Uncertain significance (1 of 4 stars; one submission).

Conditions:
Familial hypocalciuric hypercalcemia (FHH). Also called: Familial benign hypercalcemia. Identifiers: Orphanet 405, MedGen C1809471, MONDO:0018458.
Autosomal dominant hypocalcemia 1 (HYPOC1). Also called: HYPOCALCEMIA, FAMILIAL. Identifiers: MedGen C3715128, MONDO:0011013, OMIM 601198.

gnomAD v4.1: 1 of 1,614,160 alleles (0.000062%); no homozygotes.

Submission:

Labcorp Genetics (formerly Invitae), Labcorp
Classification: Uncertain significance for Familial hypocalciuric hypercalcemia; Autosomal dominant hypocalcemia 1. Last evaluated: 2023-09-30. Review status: criteria provided, single submitter. Criteria: Invitae Variant Classification Sherloc (09022015). Collection method: clinical testing. Allele origin: germline.
Comment: This sequence change replaces glutamine, which is neutral and polar, with lysine, which is basic and polar, at codon 945 of the CASR protein (p.Gln945Lys). This variant is not present in population databases (gnomAD no frequency). This variant has not been reported in the literature in individuals affected with CASR-related conditions. ClinVar contains an entry for this variant (Variation ID: 1409223). An algorithm developed to predict the effect of missense changes on protein structure and function (PolyPhen-2) suggests that this variant is likely to be tolerated. In summary, the available evidence is currently insufficient to determine the role of this variant in disease. Therefore, it has been classified as a Variant of Uncertain Significance.

NM_000388.4(CASR):c.2833C>A (p.Gln945Lys)

Gene: CASR (calcium sensing receptor; plus strand). Cytogenetic location: 3q21.1.
Variant type: single nucleotide variant.
Coding change: c.2833C>A on transcript NM_000388.4 (MANE Select); coding-DNA position 2833, C replaced by A.
Protein change: p.Gln945Lys; replaces glutamine 945 with lysine.
Molecular consequence: missense variant.
Genome position (GRCh38, 1-based): chr3:122,284,787, C>A. VCF-style: chr3-122284787-C-A. GRCh37 (hg19) VCF-style: chr3-122003634-C-A.
Other names: c.2863C>A, p.Gln955Lys (NM_001178065.2); short protein forms Q945K, Q955K.
Identifiers: ClinVar variation 1409223 (VCV001409223.8), dbSNP rs2107651317, ClinGen allele CA354160871.